The following is an entry in ClinVar:

ClinVar aggregate classification (germline): Benign. Review status: criteria provided, multiple submitters, no conflicts (2 of 4 stars). 3 submissions from 3 submitters: Benign (3). Last evaluated 2021-05-12.

Conditions:
Autosomal recessive omodysplasia (OMOD1). Also called: MICROMELIC DYSPLASIA, CONGENITAL, WITH DISLOCATION OF RADIUS. Identifiers: Orphanet 2733, Orphanet 93329, MedGen C1850318, MONDO:0009779, OMIM 258315.

Allele frequency attached by ClinVar (database versions not stated): 1000 Genomes Project 30x 0.38585; 1000 Genomes Project 0.39357; TOPMed 0.39484; gnomAD 0.40757 and 0.40798; gnomAD exomes 0.46429.
gnomAD v4.1: 62,361 of 152,084 alleles (41%); highest among the groups gnomAD compares: Non-Finnish European, 46%; 13,590 homozygotes.

Submissions (3):

GeneDx
Classification: Benign. Last evaluated: 2021-05-12. Review status: criteria provided, single submitter. Criteria: GeneDx Variant Classification Process June 2021. Collection method: clinical testing. Allele origin: germline. Affected: yes.

Illumina Laboratory Services, Illumina
Classification: Benign for Autosomal recessive omodysplasia. Last evaluated: 2018-01-13. Review status: criteria provided, single submitter. Criteria: ICSL Variant Classification Criteria 13 December 2019. Collection method: clinical testing. Allele origin: germline.
Comment: This variant was observed in the ICSL laboratory as part of a predisposition screen in an ostensibly healthy population. It had not been previously curated by ICSL or reported in the Human Gene Mutation Database (HGMD: prior to June 1st, 2018), and was therefore a candidate for classification through an automated scoring system. Utilizing variant allele frequency, disease prevalence and penetrance estimates, and inheritance mode, an automated score was calculated to assess if this variant is too frequent to cause the disease. Based on the score and internal cut-off values, a variant classified as benign is not then subjected to further curation. The score for this variant resulted in a classification of benign for this disease.

Breakthrough Genomics
Classification: Benign. Review status: criteria provided, single submitter. Criteria: ACMG Guidelines, 2015. Collection method: not provided. Allele origin: germline. Inheritance: Autosomal recessive inheritance. Affected: yes.

NM_005708.5(GPC6):c.-623G>A

Gene: GPC6 (glypican 6; plus strand). Cytogenetic location: 13q31.3.
Variant type: single nucleotide variant.
Coding change: c.-623G>A on transcript NM_005708.5 (MANE Select); 623 bases upstream of the start codon, G replaced by A.
Molecular consequence: 5 prime UTR variant.
Genome position (GRCh38, 1-based): chr13:93,226,834, G>A. VCF-style: chr13-93226834-G-A. GRCh37 (hg19) VCF-style: chr13-93879087-G-A.
Identifiers: ClinVar variation 312529 (VCV000312529.7), dbSNP rs319522, ClinGen allele CA10644862.